The following is an entry in ClinVar:

ClinVar aggregate classification (germline): Likely pathogenic (1 of 4 stars; one submission).

Conditions:
Vitamin D-dependent rickets type II with alopecia (VDDR2A). Also called: PDDR IIA; PSEUDOVITAMIN D-DEFICIENCY, TYPE IIA; RICKETS, HEREDITARY VITAMIN D-RESISTANT; RICKETS-ALOPECIA SYNDROME; VITAMIN D-DEPENDENT RICKETS, TYPE 2A, WITH OR WITHOUT ALOPECIA; VITAMIN D-RESISTANT RICKETS WITH END-ORGAN UNRESPONSIVENESS TO 1,25-DIHYDROXYCHOLECALCIFEROL. Identifiers: Orphanet 93160, MedGen C0342646, MONDO:0010186, OMIM 277440.

Submission:

Juno Genomics, Hangzhou Juno Genomics, Inc
Classification: Likely pathogenic for Vitamin D-dependent rickets type II with alopecia. Review status: criteria provided, single submitter. Criteria: ACMG Guidelines, 2015. Collection method: clinical testing. Allele origin: germline.
Comment: Absent from controls (or at extremely low frequency if recessive) in Genome Aggregation Database.;Multiple lines of computational evidence support a deleterious effect on the gene or gene product.;For recessive disorders, detected in trans with a pathogenic variant.;Patient's phenotype or family history is highly specific for a disease with a single genetic etiology.

NM_000376.3(VDR):c.122G>A (p.Cys41Tyr)

Gene: VDR (vitamin D receptor; minus strand). Cytogenetic location: 12q13.11.
Variant type: single nucleotide variant.
Coding change: c.122G>A on transcript NM_000376.3 (MANE Select); coding-DNA position 122, G replaced by A.
Protein change: p.Cys41Tyr; replaces cysteine 41 with tyrosine.
Molecular consequence: missense variant.
Genome position (GRCh38, 1-based): chr12:47,878,992, C>T on the plus strand (G>A on the coding strand, the complement: VDR is on the minus strand). VCF-style: chr12-47878992-C-T. GRCh37 (hg19) VCF-style: chr12-48272775-C-T.
Other names: c.122G>A, p.Cys41Tyr (NM_001017535.2, NM_001364085.2, NM_001374661.1 and 1 more transcripts); c.272G>A, p.Cys91Tyr (NM_001017536.2); short protein forms C41Y, C91Y.
Identifiers: ClinVar variation 5005102 (VCV005005102.2).